The following is an entry in ClinVar:

ClinVar aggregate classification (germline): Uncertain significance. Review status: criteria provided, multiple submitters, no conflicts (2 of 4 stars). 2 submissions from 2 submitters: Uncertain significance (2). Last evaluated 2024-03-06.

Conditions:
Cardiomyopathy (CMYO). Also called: Cardiomyopathies. Identifiers: Orphanet 167848, MedGen C0878544, MONDO:0004994, HP:0001638. Inheritance: Various modes of inheritance.
Hypertrophic cardiomyopathy. Also called: HYPERTROPHIC MYOCARDIOPATHY. Identifiers: Orphanet 217569, MedGen C0007194, MeSH D002312, MONDO:0005045, HP:0001639.

Submissions (2):

Color Diagnostics, LLC DBA Color Health
Classification: Uncertain significance for Cardiomyopathy. Last evaluated: 2024-03-06. Review status: criteria provided, single submitter. Criteria: ACMG Guidelines, 2015. Collection method: clinical testing. Allele origin: germline.
Comment: This missense variant replaces serine with asparagine at codon 296 of the MYBPC3 protein. Computational prediction suggests that this variant may not impact protein structure and function (internally defined REVEL score threshold <= 0.5, PMID: 27666373). To our knowledge, functional studies have not been reported for this variant. This variant has not been reported in individuals affected with MYBPC3-related disorders in the literature. This variant has not been identified in the general population by the Genome Aggregation Database (gnomAD). The available evidence is insufficient to determine the role of this variant in disease conclusively. Therefore, this variant is classified as a Variant of Uncertain Significance.

All of Us Research Program, National Institutes of Health
Classification: Uncertain significance for Hypertrophic cardiomyopathy. Last evaluated: 2023-06-26. Review status: criteria provided, single submitter. Criteria: ACMG Guidelines, 2015. Collection method: clinical testing. Allele origin: germline. Inheritance: Autosomal dominant inheritance. Observed: 1 variant allele, 1 heterozygote.
Comment: This missense variant replaces serine with asparagine at codon 296 of the MYBPC3 protein. Computational prediction suggests that this variant may not impact protein structure and function (internally defined REVEL score threshold <= 0.5, PMID: 27666373). To our knowledge, functional studies have not been reported for this variant. This variant has not been reported in individuals affected with cardiovascular disorders in the literature. This variant has not been identified in the general population by the Genome Aggregation Database (gnomAD). The available evidence is insufficient to determine the role of this variant in disease conclusively. Therefore, this variant is classified as a Variant of Uncertain Significance.

This study involves interpretation of variants in research participants for the purpose of population health screening. Participant phenotype was not available at the time of variant classification. Additional details can be found in publication PMID: 35346344, PMCID: PMC8962531

NM_000256.3(MYBPC3):c.887G>A (p.Ser296Asn)

Gene: MYBPC3 (myosin binding protein C3; minus strand). Cytogenetic location: 11p11.2.
Variant type: single nucleotide variant.
Coding change: c.887G>A on transcript NM_000256.3 (MANE Select); coding-DNA position 887, G replaced by A.
Protein change: p.Ser296Asn; replaces serine 296 with asparagine.
Molecular consequence: missense variant.
Genome position (GRCh38, 1-based): chr11:47,347,444, C>T on the plus strand (G>A on the coding strand, the complement: MYBPC3 is on the minus strand). VCF-style: chr11-47347444-C-T. GRCh37 (hg19) VCF-style: chr11-47368995-C-T.
Other names: short protein forms S296N.
Identifiers: ClinVar variation 1332245 (VCV001332245.5), dbSNP rs1595848305, ClinGen allele CA380333251.
Genomic context (GRCh38, chr11:47,347,444, plus strand): 5'-AGGCCTCACCAGCTGCCCCAGGAACTGCCACCCAGGACTCACCTCTTTTTCAGCAGTGAG[C>T]TGAAGTCCAGAATCCCAGTGTCCTCATGGCTATCACTATGGAGAGGGACCCCCAGTGAGG-3'
Protein context (NP_000247.2, residues 286-306): SHEDTGILDF[Ser296Asn]SLLKKRDSFR